The following is an entry in ClinVar:

NM_014714.4(IFT140):c.208C>T (p.His70Tyr)

Genes: IFT140 (intraflagellar transport 140; minus strand), LOC105371046 (uncharacterized LOC105371046; plus strand). Cytogenetic location: 16p13.3.
Variant type: single nucleotide variant.
Coding change: c.208C>T on transcript NM_014714.4 (MANE Select); coding-DNA position 208, C replaced by T.
Protein change: p.His70Tyr; replaces histidine 70 with tyrosine.
Molecular consequence: missense variant.
Genome position (GRCh38, 1-based): chr16:1,602,531, G>A on the plus strand (C>T on the coding strand, the complement: IFT140 is on the minus strand). VCF-style: chr16-1602531-G-A. GRCh37 (hg19) VCF-style: chr16-1652532-G-A.
Other names: short protein forms H70Y.
Identifiers: ClinVar variation 1481320 (VCV001481320.6), dbSNP rs2142042420, ClinGen allele CA394223259.

ClinVar aggregate classification (germline): Uncertain significance (1 of 4 stars; one submission).

Conditions:
Saldino-Mainzer syndrome (SRTD9). Also called: Renal dysplasia, retinal pigmentary dystrophy, cerebellar ataxia and skeletal dysplasia; CONORENAL SYNDROME; SHORT-RIB THORACIC DYSPLASIA 9 WITHOUT POLYDACTYLY; short-rib thoracic dysplasia 9 with or without polydactyly. Identifiers: Orphanet 140969, MedGen C1849437, MONDO:0009964, OMIM 266920.

Allele frequency attached by ClinVar (database versions not stated): gnomAD exomes below 0.00001.
gnomAD v4.1: 2 of 1,614,110 alleles (0.00012%); highest among the groups gnomAD compares: Non-Finnish European, 0.00017%; no homozygotes.

Submission:

Labcorp Genetics (formerly Invitae), Labcorp
Classification: Uncertain significance for Saldino-Mainzer syndrome. Last evaluated: 2021-10-09. Review status: criteria provided, single submitter. Criteria: Invitae Variant Classification Sherloc (09022015). Collection method: clinical testing. Allele origin: germline.
Comment: This variant is not present in population databases (ExAC no frequency). In summary, the available evidence is currently insufficient to determine the role of this variant in disease. Therefore, it has been classified as a Variant of Uncertain Significance. Algorithms developed to predict the effect of sequence changes on RNA splicing suggest that this variant may create or strengthen a splice site. Algorithms developed to predict the effect of missense changes on protein structure and function are either unavailable or do not agree on the potential impact of this missense change (SIFT: "Deleterious"; PolyPhen-2: "Probably Damaging"; Align-GVGD: "Class C0"). This variant has not been reported in the literature in individuals affected with IFT140-related conditions. This sequence change replaces histidine with tyrosine at codon 70 of the IFT140 protein (p.His70Tyr). The histidine residue is highly conserved and there is a moderate physicochemical difference between histidine and tyrosine.